The following is an entry in ClinVar:

ClinVar aggregate classification (germline): Benign/Likely benign. Review status: criteria provided, multiple submitters, no conflicts (2 of 4 stars). 3 submissions from 3 submitters: Benign (1); Likely benign (2). Last evaluated 2025-04-23.

Conditions:
Hereditary cancer-predisposing syndrome. Also called: Tumor predisposition; Hereditary Cancer Syndrome; Hereditary neoplastic syndrome; Neoplastic Syndromes, Hereditary. Identifiers: Orphanet 140162, MedGen C0027672, MeSH D009386, MONDO:0015356.
POLD1-related polyposis and colorectal cancer syndrome (CRCS10). Also called: Colorectal cancer 10; COLORECTAL CANCER, SUSCEPTIBILITY TO, ON CHROMOSOME 19q; Colorectal cancer, susceptibility to, 10. Identifiers: Orphanet 220460, MedGen C2675481, MONDO:0012953, OMIM 612591.

Submissions (3):

Ambry Genetics
Classification: Likely benign for Hereditary cancer-predisposing syndrome. Last evaluated: 2025-04-23. Review status: criteria provided, single submitter. Criteria: Ambry Variant Classification Scheme 2023. Collection method: clinical testing. Allele origin: germline.

Myriad Genetics, Inc.
Classification: Benign for POLD1-related polyposis and colorectal cancer syndrome. Last evaluated: 2025-02-05. Review status: criteria provided, single submitter. Criteria: Myriad Autosomal Dominant, Autosomal Recessive and X-Linked Classification Criteria (2023). Collection method: clinical testing. Allele origin: unknown.
Comment: This variant is considered benign. This variant is a silent/synonymous amino acid change and it is not expected to impact splicing.

Labcorp Genetics (formerly Invitae), Labcorp
Classification: Likely benign for POLD1-related polyposis and colorectal cancer syndrome. Last evaluated: 2024-11-27. Review status: criteria provided, single submitter. Criteria: Invitae Variant Classification Sherloc (09022015). Collection method: clinical testing. Allele origin: germline.

NM_002691.4(POLD1):c.1101G>A (p.Lys367=)

Gene: POLD1 (DNA polymerase delta 1, catalytic subunit; plus strand). Cytogenetic location: 19q13.33.
Variant type: single nucleotide variant.
Coding change: c.1101G>A on transcript NM_002691.4 (MANE Select); coding-DNA position 1101, G replaced by A.
Protein change: p.Lys367=; no amino-acid change (lysine 367 retained).
Molecular consequence: synonymous variant. On other transcripts: non-coding transcript variant (1).
Genome position (GRCh38, 1-based): chr19:50,403,183, G>A. VCF-style: chr19-50403183-G-A. GRCh37 (hg19) VCF-style: chr19-50906440-G-A.
Other names: c.1101G>A, p.Lys367= (NM_001256849.1, NM_001308632.1); c.1101G>A (NM_002691.2).
Identifiers: ClinVar variation 1017606 (VCV001017606.10), dbSNP rs2038729860, ClinGen allele CA508182750.
Genomic context (GRCh38, chr19:50,403,183, plus strand): 5'-GGAGCCCTTCCTACGCCTGGCGCTCACCCTGCGGCCCTGTGCCCCCATCCTGGGTGCCAA[G>A]GTGCAGAGCTACGAGAAGGAGGAGGACCTGCTGCAGGTAGCTCTCGCTCCACGCCCCACA-3'
Protein context (NP_002682.2, residues 357-377): LRPCAPILGA[Lys367=]VQSYEKEEDL